The following is an entry in ClinVar:

NM_004750.5(CRLF1):c.747G>A (p.Leu249=)

Genes: CRLF1 (cytokine receptor like factor 1; minus strand), LOC112543470 (Sharpr-MPRA regulatory region 11645; plus strand). Cytogenetic location: 19p13.11.
Variant type: single nucleotide variant.
Coding change: c.747G>A on transcript NM_004750.5 (MANE Select); coding-DNA position 747, G replaced by A.
Protein change: p.Leu249=; no amino-acid change (leucine 249 retained).
Molecular consequence: synonymous variant.
Genome position (GRCh38, 1-based): chr19:18,597,000, C>T on the plus strand (G>A on the coding strand, the complement: CRLF1 is on the minus strand). VCF-style: chr19-18597000-C-T. GRCh37 (hg19) VCF-style: chr19-18707810-C-T.
Identifiers: ClinVar variation 2649586 (VCV002649586.24), dbSNP rs769181592, ClinGen allele CA506116469.

ClinVar aggregate classification (germline): Likely benign (1 of 4 stars; one submission).

Allele frequency attached by ClinVar (database versions not stated): TOPMed 0.00001.
gnomAD v4.1: 1 of 1,613,648 alleles (0.000062%); highest among the groups gnomAD compares: East Asian, 0.0022%; no homozygotes.

Submission:

CeGaT Center for Human Genetics Tuebingen
Classification: Likely benign. Last evaluated: 2023-01-01. Review status: criteria provided, single submitter. Criteria: CeGaT Center For Human Genetics Tuebingen Variant Classification Criteria Version 2. Collection method: clinical testing. Allele origin: germline. Affected: yes. Observed: 1 variant allele.
Comment: CRLF1: BP4, BP7